The following is an entry in ClinVar:

NM_000528.4(MAN2B1):c.2670A>G (p.Ser890=)

Gene: MAN2B1 (mannosidase alpha class 2B member 1; minus strand). Cytogenetic location: 19p13.13.
Variant type: single nucleotide variant.
Coding change: c.2670A>G on transcript NM_000528.4 (MANE Select); coding-DNA position 2670, A replaced by G.
Protein change: p.Ser890=; no amino-acid change (serine 890 retained).
Molecular consequence: synonymous variant.
Genome position (GRCh38, 1-based): chr19:12,647,593, T>C on the plus strand (A>G on the coding strand, the complement: MAN2B1 is on the minus strand). VCF-style: chr19-12647593-T-C. GRCh37 (hg19) VCF-style: chr19-12758407-T-C.
Other names: c.2667A>G, p.Ser889= (NM_001173498.2).
Identifiers: ClinVar variation 764269 (VCV000764269.17), dbSNP rs199606152, ClinGen allele CA9225949.

ClinVar aggregate classification (germline): Benign/Likely benign. Review status: criteria provided, multiple submitters, no conflicts (2 of 4 stars). 6 submissions from 6 submitters: Benign (1); Likely benign (1). 4 of the submissions do not count toward it. Last evaluated 2026-01-26.

Conditions:
MAN2B1-related disorder. Also called: MAN2B1-related condition.
Deficiency of alpha-mannosidase (MANSA). Also called: Mannosidosis, alpha-, types I and II; LYSOSOMAL ALPHA-D-MANNOSIDASE DEFICIENCY; Alpha-Mannosidosis. Identifiers: Orphanet 61, MedGen C0024748, MONDO:0009561, OMIM 248500.

Allele frequency attached by ClinVar (database versions not stated): gnomAD 0.00010 and 0.00018; TOPMed 0.00012; gnomAD exomes 0.00014 and 0.00032; ExAC 0.00037; 1000 Genomes Project 0.00120; 1000 Genomes Project 30x 0.00141.
gnomAD v4.1: 233 of 1,610,946 alleles (0.014%); highest among the groups gnomAD compares: East Asian, 0.23%; no homozygotes.

Submissions (6):

Labcorp Genetics (formerly Invitae), Labcorp
Classification: Benign for Deficiency of alpha-mannosidase. Last evaluated: 2026-01-26. Review status: criteria provided, single submitter. Criteria: Invitae Variant Classification Sherloc (09022015). Collection method: clinical testing. Allele origin: germline.

Blueprint Genetics
Classification: Likely benign. Last evaluated: 2023-11-29. Review status: criteria provided, single submitter. Criteria: ACMG Guidelines, 2015. Collection method: clinical testing. Allele origin: germline.

PreventionGenetics, part of Exact Sciences
Classification: Likely benign for MAN2B1-related condition. Last evaluated: 2022-11-11. Review status: no assertion criteria provided. Collection method: clinical testing. Allele origin: germline. Not counted in ClinVar's aggregate classification.
Comment: This variant is classified as likely benign based on ACMG/AMP sequence variant interpretation guidelines (Richards et al. 2015 PMID: 25741868, with internal and published modifications).

Natera, Inc.
Classification: Uncertain significance for Alpha-mannosidosis. Last evaluated: 2020-01-24. Review status: no assertion criteria provided. Collection method: clinical testing. Allele origin: germline. Not counted in ClinVar's aggregate classification.

Clinical Genetics DNA and cytogenetics Diagnostics Lab, Erasmus MC, Erasmus Medical Center
Classification: Likely benign. Review status: no assertion criteria provided. Collection method: clinical testing. Allele origin: germline. Affected: yes. Study: VKGL Data-share Consensus. Not counted in ClinVar's aggregate classification.

Genome Diagnostics Laboratory, University Medical Center Utrecht
Classification: Likely benign. Review status: no assertion criteria provided. Collection method: clinical testing. Allele origin: germline. Affected: yes. Study: VKGL Data-share Consensus. Not counted in ClinVar's aggregate classification.